The following is an entry in ClinVar:

NM_000268.4(NF2):c.892C>T (p.Gln298Ter)

Gene: NF2 (NF2, moesin-ezrin-radixin like (MERLIN) tumor suppressor; plus strand). Cytogenetic location: 22q12.2.
Variant type: single nucleotide variant.
Coding change: c.892C>T on transcript NM_000268.4 (MANE Select); coding-DNA position 892, C replaced by T.
Protein change: p.Gln298Ter; replaces glutamine 298 with a stop codon.
Molecular consequence: nonsense. On other transcripts: non-coding transcript variant (1), intron variant (1).
Genome position (GRCh38, 1-based): chr22:29,668,339, C>T. VCF-style: chr22-29668339-C-T. GRCh37 (hg19) VCF-style: chr22-30064328-C-T.
Other names: c.892C>T, p.Gln298Ter (NM_016418.5, NM_181825.3, NM_181832.3); c.766C>T, p.Gln256Ter (NM_181828.3); c.769C>T, p.Gln257Ter (NM_181829.3); c.643C>T, p.Gln215Ter (NM_181830.3, NM_181831.3); c.447+26054C>T (NM_181833.3); short protein forms Q215*, Q257*, Q256*, Q298*.
Identifiers: ClinVar variation 1457060 (VCV001457060.6), dbSNP rs2147051643, ClinGen allele CA411145560.

ClinVar aggregate classification (germline): Pathogenic (1 of 4 stars; one submission).

Conditions:
Neurofibromatosis, type 2 (SWNV). Also called: BILATERAL ACOUSTIC NEUROFIBROMATOSIS; SCHWANNOMATOSIS, VESTIBULAR; NF2-Related Schwannomatosis. Identifiers: Orphanet 637, MedGen C0027832, MONDO:0007039, OMIM 101000. Disease mechanism: loss of function.

Submission:

Labcorp Genetics (formerly Invitae), Labcorp
Classification: Pathogenic for Neurofibromatosis, type 2. Last evaluated: 2023-04-17. Review status: criteria provided, single submitter. Criteria: Invitae Variant Classification Sherloc (09022015). Collection method: clinical testing. Allele origin: germline.
Comment: This sequence change creates a premature translational stop signal (p.Gln298*) in the NF2 gene. It is expected to result in an absent or disrupted protein product. Loss-of-function variants in NF2 are known to be pathogenic (PMID: 9643284, 16983642). This variant is not present in population databases (gnomAD no frequency). This premature translational stop signal has been observed in individual(s) with neurofibromatosis, type 2 (PMID: 33067351). ClinVar contains an entry for this variant (Variation ID: 1457060). For these reasons, this variant has been classified as Pathogenic.

Literature cited by the submitters: PubMed 9643284; PubMed 16983642; PubMed 33067351.